The following is an entry in ClinVar:

NM_001134363.3(RBM20):c.700G>C (p.Ala234Pro)

Gene: RBM20 (RNA binding motif protein 20; plus strand). Cytogenetic location: 10q25.2.
Variant type: single nucleotide variant.
Coding change: c.700G>C on transcript NM_001134363.3 (MANE Select); coding-DNA position 700, G replaced by C.
Protein change: p.Ala234Pro; replaces alanine 234 with proline.
Molecular consequence: missense variant.
Genome position (GRCh38, 1-based): chr10:110,781,309, G>C. VCF-style: chr10-110781309-G-C. GRCh37 (hg19) VCF-style: chr10-112541067-G-C.
Other names: short protein forms A234P.
Identifiers: ClinVar variation 3022421 (VCV003022421.1), dbSNP rs1554898862, ClinGen allele CA378382387.
Genomic context (GRCh38, chr10:110,781,309, plus strand): 5'-TTGGGCATTGGCAAGACTGGGCCTGCTCCAGCTACAGCAGGATTCTATGAGTATGGCAAA[G>C]CCAGCTCTGGCCAGACATATGGCCCTGAAACAGATGGTCAGCCTGGCTTCCTGCCATCCT-3'
Protein context (NP_001127835.2, residues 224-244): ATAGFYEYGK[Ala234Pro]SSGQTYGPET

ClinVar aggregate classification (germline): Uncertain significance (1 of 4 stars; one submission).

Conditions:
Dilated cardiomyopathy 1DD (CMD1DD). Identifiers: Orphanet 154, MedGen C2750995, MONDO:0013168, OMIM 613172.

Allele frequency attached by ClinVar (database versions not stated): gnomAD exomes below 0.00001.
gnomAD v4.1: 1 of 1,551,716 alleles (0.000064%); highest among the groups gnomAD compares: East Asian, 0.0024%; no homozygotes.

Submission:

Labcorp Genetics (formerly Invitae), Labcorp
Classification: Uncertain significance for Dilated cardiomyopathy 1DD. Last evaluated: 2024-01-29. Review status: criteria provided, single submitter. Criteria: Invitae Variant Classification Sherloc (09022015). Collection method: clinical testing. Allele origin: germline.
Comment: This sequence change replaces alanine, which is neutral and non-polar, with proline, which is neutral and non-polar, at codon 234 of the RBM20 protein (p.Ala234Pro). This variant is not present in population databases (gnomAD no frequency). This variant has not been reported in the literature in individuals affected with RBM20-related conditions. Advanced modeling of protein sequence and biophysical properties (such as structural, functional, and spatial information, amino acid conservation, physicochemical variation, residue mobility, and thermodynamic stability) performed at Invitae indicates that this missense variant is not expected to disrupt RBM20 protein function with a negative predictive value of 95%. In summary, the available evidence is currently insufficient to determine the role of this variant in disease. Therefore, it has been classified as a Variant of Uncertain Significance.